The following is an entry in ClinVar:

NM_000095.3(COMP):c.1124T>C (p.Ile375Thr)

Gene: COMP (cartilage oligomeric matrix protein; minus strand). Cytogenetic location: 19p13.11.
Variant type: single nucleotide variant.
Coding change: c.1124T>C on transcript NM_000095.3 (MANE Select); coding-DNA position 1124, T replaced by C.
Protein change: p.Ile375Thr; replaces isoleucine 375 with threonine.
Molecular consequence: missense variant.
Genome position (GRCh38, 1-based): chr19:18,787,502, A>G on the plus strand (T>C on the coding strand, the complement: COMP is on the minus strand). VCF-style: chr19-18787502-A-G. GRCh37 (hg19) VCF-style: chr19-18898311-A-G.
Other names: short protein forms I375T.
Identifiers: ClinVar variation 2649592 (VCV002649592.24), dbSNP rs1479971366, ClinGen allele CA404887735.

ClinVar aggregate classification (germline): Uncertain significance (1 of 4 stars; one submission).

Submission:

CeGaT Center for Human Genetics Tuebingen
Classification: Uncertain significance. Last evaluated: 2022-08-01. Review status: criteria provided, single submitter. Criteria: CeGaT Center For Human Genetics Tuebingen Variant Classification Criteria Version 2. Collection method: clinical testing. Allele origin: germline. Affected: yes. Observed: 1 variant allele.
Comment: COMP: PM2